The following is an entry in ClinVar:

ClinVar aggregate classification (germline): Pathogenic (1 of 4 stars; one submission).

Submission:

Labcorp Genetics (formerly Invitae), Labcorp
Classification: Pathogenic. Last evaluated: 2021-06-05. Review status: criteria provided, single submitter. Criteria: Invitae Variant Classification Sherloc (09022015). Collection method: clinical testing. Allele origin: germline.
Comment: This sequence change creates a premature translational stop signal (p.Gly484Argfs*6) in the COL4A4 gene. It is expected to result in an absent or disrupted protein product. Loss-of-function variants in COL4A4 are known to be pathogenic (PMID: 21196518, 24854265, 25307543). This variant is not present in population databases (ExAC no frequency). This variant has not been reported in the literature in individuals with COL4A4-related conditions. For these reasons, this variant has been classified as Pathogenic.

Literature cited by the submitters: PubMed 21196518; PubMed 24854265; PubMed 25307543.

NM_000092.5(COL4A4):c.1449dup (p.Gly484fs)

Gene: COL4A4 (collagen type IV alpha 4 chain; minus strand). Cytogenetic location: 2q36.3.
Variant type: Duplication.
Coding change: c.1449dup on transcript NM_000092.5 (MANE Select); coding-DNA position 1449, one base duplicated (A; older notation c.1449dupA).
Protein change: p.Gly484fs; shifts the reading frame from glycine 484.
Molecular consequence: frameshift variant.
Genome position (GRCh38, 1-based): chr2:227,089,878, T duplicated on the plus strand (A on the coding strand, the reverse complement: COL4A4 is on the minus strand); the first of 4 consecutive T bases (chr2:227,089,878-227,089,881); duplicating any one gives the same sequence. VCF-style (leftmost placement, unchanged base first): chr2-227089877-C-CT. GRCh37 (hg19) VCF-style: chr2-227954593-C-CT.
Other names: short protein forms G484fs.
Identifiers: ClinVar variation 1457716 (VCV001457716.6), dbSNP rs2150615820, ClinGen allele CA2573135377.
Genomic context (GRCh38, chr2:227,089,877, plus strand): 5'-TCATCCATGTACAGTTGTCTTCTAGAAATTCTACCTTTGGTGCCTACTTGCCTTTTTCTC[C>CT]TTTTGGGCCTCTTCCTCCTGGGGGACCAACTTTGCCTTTTATTCCTTGTGGTCCGGGGTT-3'